The following is an entry in ClinVar:

ClinVar aggregate classification (germline): Pathogenic (1 of 4 stars; one submission).

Conditions:
Peutz-Jeghers syndrome (PJS). Also called: POLYPOSIS, HAMARTOMATOUS INTESTINAL; POLYPS-AND-SPOTS SYNDROME; Peutz-Jeghers polyposis; Periorificial lentiginosis syndrome. Identifiers: Orphanet 2869, MedGen C0031269, MeSH D010580, MONDO:0008280, OMIM 175200.

Submission:

Myriad Genetics, Inc.
Classification: Pathogenic for Peutz-Jeghers syndrome. Last evaluated: 2024-02-12. Review status: criteria provided, single submitter. Criteria: Myriad Autosomal Dominant, Autosomal Recessive and X-Linked Classification Criteria (2023). Collection method: clinical testing. Allele origin: unknown.
Comment: This variant is considered pathogenic. This variant creates a frameshift predicted to result in premature protein truncation.

NM_000455.5(STK11):c.1132del (p.Ser378fs)

Gene: STK11 (serine/threonine kinase 11; plus strand). Cytogenetic location: 19p13.3.
Variant type: Deletion.
Coding change: c.1132del on transcript NM_000455.5 (MANE Select); coding-DNA position 1132, one base deleted (A; older notation c.1132delA).
Protein change: p.Ser378fs; shifts the reading frame from serine 378.
Molecular consequence: frameshift variant. On other transcripts: non-coding transcript variant (1).
Genome position (GRCh38, 1-based): chr19:1,226,477, A deleted. VCF-style (leftmost placement, unchanged base first): chr19-1226476-CA-C. GRCh37 (hg19) VCF-style: chr19-1226475-CA-C.
Other names: short protein forms S378fs.
Identifiers: ClinVar variation 3148590 (VCV003148590.1), dbSNP rs2512954729, ClinGen allele CA2825002719.